The following is an entry in ClinVar:

NM_004431.5(EPHA2):c.1697G>A (p.Arg566His)

Gene: EPHA2 (EPH receptor A2; minus strand). Cytogenetic location: 1p36.13.
Variant type: single nucleotide variant.
Coding change: c.1697G>A on transcript NM_004431.5 (MANE Select); coding-DNA position 1697, G replaced by A.
Protein change: p.Arg566His; replaces arginine 566 with histidine.
Molecular consequence: missense variant.
Genome position (GRCh38, 1-based): chr1:16,133,901, C>T on the plus strand (G>A on the coding strand, the complement: EPHA2 is on the minus strand). VCF-style: chr1-16133901-C-T. GRCh37 (hg19) VCF-style: chr1-16460396-C-T.
Other names: c.1535G>A, p.Arg512His (NM_001329090.2); short protein forms R566H, R512H.
Identifiers: ClinVar variation 876744 (VCV000876744.10), dbSNP rs750878968, ClinGen allele CA625083.

ClinVar aggregate classification (germline): Uncertain significance. Review status: criteria provided, multiple submitters, no conflicts (2 of 4 stars). 3 submissions from 3 submitters: Uncertain significance (3). Last evaluated 2022-09-27.

Conditions:
Inborn genetic diseases. Identifiers: MedGen C0950123, MeSH D030342.
Cataract 6 multiple types. Also called: CATARACT 6, CONGENITAL TOTAL; CATARACT 6, POSTERIOR POLAR; CATARACT, AGE-RELATED CORTICAL, 2. Identifiers: Orphanet 91492, MedGen C1861825, MONDO:0007288, OMIM 116600.

Allele frequency attached by ClinVar (database versions not stated): 1000 Genomes Project 30x 0.00016; TOPMed 0.00005; gnomAD 0.00003 and 0.00014; ExAC 0.00010; gnomAD exomes 0.00007 and 0.00024.
gnomAD v4.1: 346 of 1,550,688 alleles (0.022%); highest among the groups gnomAD compares: East Asian, 0.77%; 3 homozygotes.

Submissions (3):

Labcorp Genetics (formerly Invitae), Labcorp
Classification: Uncertain significance for Cataract 6 multiple types. Last evaluated: 2022-09-27. Review status: criteria provided, single submitter. Criteria: Invitae Variant Classification Sherloc (09022015). Collection method: clinical testing. Allele origin: germline.
Comment: Advanced modeling of protein sequence and biophysical properties (such as structural, functional, and spatial information, amino acid conservation, physicochemical variation, residue mobility, and thermodynamic stability) has been performed at Invitae for this missense variant, however the output from this modeling did not meet the statistical confidence thresholds required to predict the impact of this variant on EPHA2 protein function. In summary, the available evidence is currently insufficient to determine the role of this variant in disease. Therefore, it has been classified as a Variant of Uncertain Significance. ClinVar contains an entry for this variant (Variation ID: 876744). This variant has not been reported in the literature in individuals affected with EPHA2-related conditions. This variant is present in population databases (rs750878968, gnomAD 0.05%). This sequence change replaces arginine, which is basic and polar, with histidine, which is basic and polar, at codon 566 of the EPHA2 protein (p.Arg566His).

Ambry Genetics
Classification: Uncertain significance for Inborn genetic diseases. Last evaluated: 2021-09-27. Review status: criteria provided, single submitter. Criteria: Ambry Variant Classification Scheme 2023. Collection method: clinical testing. Allele origin: germline.

Illumina Laboratory Services, Illumina
Classification: Uncertain significance for Cataract 6 multiple types. Last evaluated: 2018-01-13. Review status: criteria provided, single submitter. Criteria: ICSL Variant Classification Criteria 13 December 2019. Collection method: clinical testing. Allele origin: germline.